The following is an entry in ClinVar:

ClinVar aggregate classification (germline): Pathogenic (1 of 4 stars; one submission).

Submission:

Athena Diagnostics
Classification: Pathogenic. Last evaluated: 2019-09-19. Review status: criteria provided, single submitter. Criteria: Athena Diagnostics Criteria. Collection method: clinical testing. Allele origin: unknown.
Comment: The variant creates a premature nonsense codon, and is therefore predicted to result in the loss of a functional protein. Found in at least one patient with expected phenotype for this gene, and not found in general population data.

NM_001009944.3(PKD1):c.9800G>A (p.Trp3267Ter)

Gene: PKD1 (polycystin 1, transient receptor potential channel interacting; minus strand). Cytogenetic location: 16p13.3.
Variant type: single nucleotide variant.
Coding change: c.9800G>A on transcript NM_001009944.3 (MANE Select); coding-DNA position 9800, G replaced by A.
Protein change: p.Trp3267Ter; replaces tryptophan 3267 with a stop codon.
Molecular consequence: nonsense.
Genome position (GRCh38, 1-based): chr16:2,099,984, C>T on the plus strand (G>A on the coding strand, the complement: PKD1 is on the minus strand). VCF-style: chr16-2099984-C-T. GRCh37 (hg19) VCF-style: chr16-2149985-C-T.
Other names: c.9800G>A, p.Trp3267Ter (NM_000296.4); short protein forms W3267*.
Identifiers: ClinVar variation 994721 (VCV000994721.1), dbSNP rs1460604173, ClinGen allele CA394353862.
Genomic context (GRCh38, chr16:2,099,984, plus strand): 5'-AGGAGAACGCAGCAGGTGGCCCTCTGGATGCGAGTGAAACGGCTACGAGGCGGCCGGTCC[C>T]ATATGGAGAGCCAGATGTGCTTGTCAAAGAAGCCACGCTGCAGCTCAGCCACCAGCAGGC-3'